The following is an entry in ClinVar:

ClinVar aggregate classification (germline): Uncertain significance. Review status: criteria provided, multiple submitters, no conflicts (2 of 4 stars). 2 submissions from 2 submitters: Uncertain significance (2). Last evaluated 2024-10-10.

Conditions:
Autosomal recessive limb-girdle muscular dystrophy type 2A (LGMDR1). Also called: Calpainopathy; MUSCULAR DYSTROPHY, PELVOFEMORAL; Limb-girdle muscular dystrophy, type 2A; Muscular dystrophy, limb-girdle, type 2A, Amish; LEYDEN-MOEBIUS MUSCULAR DYSTROPHY. Identifiers: Orphanet 267, MedGen C1869123, MONDO:0009675, OMIM 253600. Disease mechanism: loss of function.

Allele frequency attached by ClinVar (database versions not stated): gnomAD 0.00001; TOPMed 0.00001; gnomAD exomes below 0.00001.
gnomAD v4.1: 5 of 1,614,072 alleles (0.00031%); highest among the groups gnomAD compares: African/African-American, 0.0027%; no homozygotes.

Submissions (2):

Labcorp Genetics (formerly Invitae), Labcorp
Classification: Uncertain significance for Autosomal recessive limb-girdle muscular dystrophy type 2A. Last evaluated: 2024-10-10. Review status: criteria provided, single submitter. Criteria: Invitae Variant Classification Sherloc (09022015). Collection method: clinical testing. Allele origin: germline.
Comment: This sequence change affects codon 777 of the CAPN3 mRNA. It is a 'silent' change, meaning that it does not change the encoded amino acid sequence of the CAPN3 protein. This variant is not present in population databases (gnomAD no frequency). This variant has not been reported in the literature in individuals affected with CAPN3-related conditions. ClinVar contains an entry for this variant (Variation ID: 288280). Algorithms developed to predict the effect of sequence changes on RNA splicing suggest that this variant may create or strengthen a splice site. In summary, the available evidence is currently insufficient to determine the role of this variant in disease. Therefore, it has been classified as a Variant of Uncertain Significance.

Eurofins Ntd Llc (ga)
Classification: Uncertain significance. Last evaluated: 2016-06-07. Review status: criteria provided, single submitter. Criteria: EGL Classification Definitions 2015. Collection method: clinical testing. Allele origin: germline. Observed: 1 variant allele, 1 heterozygote.

NM_000070.3(CAPN3):c.2331C>T (p.Ile777=)

Gene: CAPN3 (calpain 3; plus strand). Cytogenetic location: 15q15.1.
Variant type: single nucleotide variant.
Coding change: c.2331C>T on transcript NM_000070.3 (MANE Select); coding-DNA position 2331, C replaced by T.
Protein change: p.Ile777=; no amino-acid change (isoleucine 777 retained).
Molecular consequence: synonymous variant.
Genome position (GRCh38, 1-based): chr15:42,410,951, C>T. VCF-style: chr15-42410951-C-T. GRCh37 (hg19) VCF-style: chr15-42703149-C-T.
Other names: c.2313C>T, p.Ile771= (NM_024344.2); c.2055C>T, p.Ile685= (NM_173087.2); c.795C>T, p.Ile265= (NM_173088.2); c.336C>T, p.Ile112= (NM_173089.2, NM_173090.2).
Identifiers: ClinVar variation 288280 (VCV000288280.7), dbSNP rs745856298, ClinGen allele CA10606027.